The following is an entry in ClinVar:

ClinVar aggregate classification (germline): Pathogenic (1 of 4 stars; one submission).

Conditions:
Lymphangiomyomatosis (LAM). Also called: Lymphangioleiomyomatosis, somatic; Lymphangioleiomyomatosis. Identifiers: Orphanet 538, MedGen C0751674, MONDO:0011705, OMIM 606690.

Submission:

Centre for Mendelian Genomics, University Medical Centre Ljubljana
Classification: Pathogenic for Lymphangiomyomatosis. Last evaluated: 2019-09-08. Review status: criteria provided, single submitter. Criteria: ACMG Guidelines, 2015. Collection method: clinical testing. Allele origin: unknown. Affected: yes.
Comment: This variant was classified as: Pathogenic. The following ACMG criteria were applied in classifying this variant: PVS1,PM1,PM2,PM6.

NM_000548.5(TSC2):c.1583dup (p.Asp529fs)

Gene: TSC2 (TSC complex subunit 2; plus strand). Cytogenetic location: 16p13.3.
Variant type: Duplication.
Coding change: c.1583dup on transcript NM_000548.5 (MANE Select); coding-DNA position 1583, one base duplicated (T; older notation c.1583dupT).
Protein change: p.Asp529fs; shifts the reading frame from aspartic acid 529.
Molecular consequence: frameshift variant.
Genome position (GRCh38, 1-based): chr16:2,064,411, T duplicated. VCF-style (leftmost placement, unchanged base first): chr16-2064410-C-CT. GRCh37 (hg19) VCF-style: chr16-2114411-C-CT.
Other names: c.1583dup, p.Asp529fs (NM_001077183.3, NM_001114382.3, NM_001363528.2 and 3 more transcripts); c.1472dup, p.Asp492fs (NM_001318827.2); c.1436dup, p.Asp480fs (NM_001318829.2); c.983dup, p.Asp329fs (NM_001318831.2); c.1616dup, p.Asp540fs (NM_001318832.2); short protein forms D480fs, D329fs, D540fs, D529fs, D492fs.
Identifiers: ClinVar variation 930794 (VCV000930794.3), dbSNP rs2087032456, ClinGen allele CA1139664300.
Genomic context (GRCh38, chr16:2,064,410, plus strand): 5'-GCCACCCAGTTGCTGGTGGACCTGGCAGAGGGCTGCCACACACACCACTTCAACAGCCTG[C>CT]TGGACATCATCGAGAAGGTGAGAGCCGTTGTACCCGGGGCCGGGTGCTAGCGTGCCAGAG-3'